The following is an entry in ClinVar:

NM_175875.5(SIX5):c.845G>A (p.Arg282Gln)

Genes: SIX5 (SIX homeobox 5; minus strand), LOC107075317 (origin of replication in DMPK trinucleotide repeat region; plus strand). Cytogenetic location: 19q13.32.
Variant type: single nucleotide variant.
Coding change: c.845G>A on transcript NM_175875.5 (MANE Select); coding-DNA position 845, G replaced by A.
Protein change: p.Arg282Gln; replaces arginine 282 with glutamine.
Molecular consequence: missense variant.
Genome position (GRCh38, 1-based): chr19:45,767,114, C>T on the plus strand (G>A on the coding strand, the complement: SIX5 is on the minus strand). VCF-style: chr19-45767114-C-T. GRCh37 (hg19) VCF-style: chr19-46270372-C-T.
Other names: short protein forms R282Q.
Identifiers: ClinVar variation 2884825 (VCV002884825.3), dbSNP rs762505488, ClinGen allele CA406421309.

ClinVar aggregate classification (germline): Uncertain significance (1 of 4 stars; one submission).

gnomAD v4.1: 1 of 1,612,308 alleles (0.000062%); no homozygotes.

Submission:

Labcorp Genetics (formerly Invitae), Labcorp
Classification: Uncertain significance. Last evaluated: 2023-02-09. Review status: criteria provided, single submitter. Criteria: Invitae Variant Classification Sherloc (09022015). Collection method: clinical testing. Allele origin: germline.
Comment: In summary, the available evidence is currently insufficient to determine the role of this variant in disease. Therefore, it has been classified as a Variant of Uncertain Significance. Advanced modeling of protein sequence and biophysical properties (such as structural, functional, and spatial information, amino acid conservation, physicochemical variation, residue mobility, and thermodynamic stability) has been performed at Invitae for this missense variant, however the output from this modeling did not meet the statistical confidence thresholds required to predict the impact of this variant on SIX5 protein function. This variant has not been reported in the literature in individuals affected with SIX5-related conditions. This variant is not present in population databases (gnomAD no frequency). This sequence change replaces arginine, which is basic and polar, with glutamine, which is neutral and polar, at codon 282 of the SIX5 protein (p.Arg282Gln).